The following is an entry in ClinVar:

ClinVar aggregate classification (germline): Uncertain significance. Review status: criteria provided, multiple submitters, no conflicts (2 of 4 stars). 3 submissions from 3 submitters: Uncertain significance (3). Last evaluated 2025-03-19.

Conditions:
Cardiovascular phenotype. Identifiers: MedGen CN230736.
Hypertrophic cardiomyopathy 12. Identifiers: MedGen C2677491, MONDO:0012804, OMIM 612124.
Dilated cardiomyopathy 1M (CMD1M). Identifiers: Orphanet 154, MedGen C1843808, MONDO:0011840, OMIM 607482.
Cardiomyopathy (CMYO). Also called: Cardiomyopathies. Identifiers: Orphanet 167848, MedGen C0878544, MONDO:0004994, HP:0001638. Inheritance: Various modes of inheritance.

Allele frequency attached by ClinVar (database versions not stated): ExAC 0.00002; gnomAD 0.00001; gnomAD exomes 0.00001; TOPMed 0.00001.
gnomAD v4.1: 13 of 1,614,088 alleles (0.00081%); highest among the groups gnomAD compares: Admixed American, 0.0033%; no homozygotes.

Submissions (3):

Labcorp Genetics (formerly Invitae), Labcorp
Classification: Uncertain significance for Hypertrophic cardiomyopathy 12; Dilated cardiomyopathy 1M. Last evaluated: 2025-03-19. Review status: criteria provided, single submitter. Criteria: Invitae Variant Classification Sherloc (09022015). Collection method: clinical testing. Allele origin: germline.
Comment: This sequence change replaces proline, which is neutral and non-polar, with leucine, which is neutral and non-polar, at codon 98 of the CSRP3 protein (p.Pro98Leu). This variant is present in population databases (rs773411006, gnomAD 0.003%). This variant has not been reported in the literature in individuals affected with CSRP3-related conditions. ClinVar contains an entry for this variant (Variation ID: 1329257). An algorithm developed to predict the effect of missense changes on protein structure and function (PolyPhen-2) suggests that this variant is likely to be tolerated. In summary, the available evidence is currently insufficient to determine the role of this variant in disease. Therefore, it has been classified as a Variant of Uncertain Significance.

Ambry Genetics
Classification: Uncertain significance for Cardiovascular phenotype. Last evaluated: 2023-12-12. Review status: criteria provided, single submitter. Criteria: Ambry Variant Classification Scheme 2023. Collection method: clinical testing. Allele origin: germline.
Comment: The p.P98L variant (also known as c.293C>T), located in coding exon 3 of the CSRP3 gene, results from a C to T substitution at nucleotide position 293. The proline at codon 98 is replaced by leucine, an amino acid with similar properties. This amino acid position is conserved. In addition, this alteration is predicted to be tolerated by in silico analysis. Since supporting evidence is limited at this time, the clinical significance of this alteration remains unclear.

CHEO Genetics Diagnostic Laboratory, Children's Hospital of Eastern Ontario
Classification: Uncertain significance for Cardiomyopathy. Last evaluated: 2020-03-02. Review status: criteria provided, single submitter. Criteria: ACMG Guidelines, 2015. Collection method: clinical testing. Allele origin: germline.

NM_003476.5(CSRP3):c.293C>T (p.Pro98Leu)

Gene: CSRP3 (cysteine and glycine rich protein 3; minus strand). Cytogenetic location: 11p15.1.
Variant type: single nucleotide variant.
Coding change: c.293C>T on transcript NM_003476.5 (MANE Select); coding-DNA position 293, C replaced by T.
Protein change: p.Pro98Leu; replaces proline 98 with leucine.
Molecular consequence: missense variant.
Genome position (GRCh38, 1-based): chr11:19,186,337, G>A on the plus strand (C>T on the coding strand, the complement: CSRP3 is on the minus strand). VCF-style: chr11-19186337-G-A. GRCh37 (hg19) VCF-style: chr11-19207884-G-A.
Other names: c.293C>T (NM_003476.3); c.124C>T, p.Arg42Trp (NM_001369404.1); short protein forms P98L, R42W.
Identifiers: ClinVar variation 1329257 (VCV001329257.7), dbSNP rs773411006, ClinGen allele CA5916578.
Genomic context (GRCh38, chr11:19,186,337, plus strand): 5'-TCGGACTCTCCAAACTTCGCAGTGAATTTGGAAGGGTTGCTGGTGGTAACTGAGCGTGCC[G>A]GCTTTGGGGACCTGTTGGAAATAGACGAATGAATGAAACGTAGATTTCCCTTGGCAAAGA-3'
Protein context (NP_003467.1, residues 88-108): LGLQFQQSPK[Pro98Leu]ARSVTTSNPS